The following is an entry in ClinVar:

ClinVar aggregate classification (germline): Pathogenic (1 of 4 stars; one submission).

Conditions:
Phenylketonuria (PKU). Also called: Phenylketonurias; FOLLING DISEASE; OLIGOPHRENIA PHENYLPYRUVICA; Phenylketonuria (PKU). Identifiers: Orphanet 716, MedGen C0031485, MONDO:0009861, OMIM 261600. Disease mechanism: loss of function.

Submission:

Labcorp Genetics (formerly Invitae), Labcorp
Classification: Pathogenic for Phenylketonuria. Last evaluated: 2023-12-27. Review status: criteria provided, single submitter. Criteria: Invitae Variant Classification Sherloc (09022015). Collection method: clinical testing. Allele origin: germline.
Comment: This sequence change creates a premature translational stop signal (p.Asp27Thrfs*11) in the PAH gene. It is expected to result in an absent or disrupted protein product. Loss-of-function variants in PAH are known to be pathogenic (PMID: 1301187, 9634518). This variant is not present in population databases (gnomAD no frequency). This variant has not been reported in the literature in individuals affected with PAH-related conditions. For these reasons, this variant has been classified as Pathogenic.

Literature cited by the submitters: PubMed 1301187; PubMed 9634518.

NM_000277.3(PAH):c.78del (p.Asp27fs)

Gene: PAH (phenylalanine hydroxylase; minus strand). Cytogenetic location: 12q23.2.
Variant type: Deletion.
Coding change: c.78del on transcript NM_000277.3 (MANE Select); coding-DNA position 78, one base deleted (A; older notation c.78delA).
Protein change: p.Asp27fs; shifts the reading frame from aspartic acid 27.
Molecular consequence: frameshift variant.
Genome position (GRCh38, 1-based): chr12:102,912,881, T deleted on the plus strand (A on the coding strand, the reverse complement: PAH is on the minus strand); the first of 2 consecutive T bases (chr12:102,912,881-102,912,882); deleting either gives the same sequence. VCF-style (leftmost placement, unchanged base first): chr12-102912880-CT-C. GRCh37 (hg19) VCF-style: chr12-103306658-CT-C.
Other names: c.78del, p.Asp27fs (NM_001354304.2); short protein forms D27fs.
Identifiers: ClinVar variation 2705906 (VCV002705906.3), dbSNP rs2499542595, ClinGen allele CA2697551518.